The following is an entry in ClinVar:

ClinVar aggregate classification (germline): Uncertain significance (1 of 4 stars; one submission).

gnomAD v4.1: 1 of 1,614,104 alleles (0.000062%); highest among the groups gnomAD compares: Non-Finnish European, 0.000085%; no homozygotes.

Submission:

GeneDx
Classification: Uncertain significance. Last evaluated: 2024-08-30. Review status: criteria provided, single submitter. Criteria: GeneDx Variant Classification Process June 2021. Collection method: clinical testing. Allele origin: germline. Affected: yes.
Comment: Not observed at significant frequency in large population cohorts (gnomAD); In silico analysis supports that this missense variant has a deleterious effect on protein structure/function; Has not been previously published as pathogenic or benign to our knowledge

NM_001134407.3(GRIN2A):c.3710A>T (p.Asp1237Val)

Gene: GRIN2A (glutamate ionotropic receptor NMDA type subunit 2A; minus strand). Cytogenetic location: 16p13.2.
Variant type: single nucleotide variant.
Coding change: c.3710A>T on transcript NM_001134407.3 (MANE Select); coding-DNA position 3710, A replaced by T.
Protein change: p.Asp1237Val; replaces aspartic acid 1237 with valine.
Molecular consequence: missense variant.
Genome position (GRCh38, 1-based): chr16:9,763,834, T>A on the plus strand (A>T on the coding strand, the complement: GRIN2A is on the minus strand). VCF-style: chr16-9763834-T-A. GRCh37 (hg19) VCF-style: chr16-9857691-T-A.
Other names: c.3710A>T, p.Asp1237Val (NM_000833.5, NM_001134408.2); short protein forms D1237V.
Identifiers: ClinVar variation 3766001 (VCV003766001.1).
Genomic context (GRCh38, chr16:9,763,834, plus strand): 5'-GTCTCCTGAAGCATCTGGTCTTCATCGATGTCATAGAGGTTCCCCATCCGCAGGCAGGCA[T>A]CGCACTTGAAGGGGGACCTCATGGTGAAGTGGCCTGAATAGGTGGGCATGTTGGAAAGGC-3'
Protein context (NP_001127879.1, residues 1227-1247): HFTMRSPFKC[Asp1237Val]ACLRMGNLYD